The following is an entry in ClinVar:

NM_006446.5(SLCO1B1):c.*46T>G

Gene: SLCO1B1 (solute carrier organic anion transporter family member 1B1; plus strand). Cytogenetic location: 12p12.1.
Variant type: single nucleotide variant.
Coding change: c.*46T>G on transcript NM_006446.5 (MANE Select); 46 bases downstream of the stop codon, T replaced by G.
Molecular consequence: 3 prime UTR variant.
Genome position (GRCh38, 1-based): chr12:21,239,235, T>G. VCF-style: chr12-21239235-T-G. GRCh37 (hg19) VCF-style: chr12-21392169-T-G.
Other names: c.*46T>G (LRG_1022t1).
Identifiers: ClinVar variation 307962 (VCV000307962.6), dbSNP rs71581985, ClinGen allele CA6477265.

ClinVar aggregate classification (germline): Benign. Review status: criteria provided, multiple submitters, no conflicts (2 of 4 stars). 2 submissions from 2 submitters: Benign (2). Last evaluated 2018-01-12.

Conditions:
Rotor syndrome (HBLRR). Also called: HYPERBILIRUBINEMIA, ROTOR TYPE, DIGENIC; HYPERBILIRUBINEMIA, ROTOR TYPE. Identifiers: Orphanet 3111, MedGen C0220991, MONDO:0009379, OMIM 237450.

Allele frequency attached by ClinVar (database versions not stated): gnomAD 0.00395 and 0.00435; TOPMed 0.00441; 1000 Genomes Project 30x 0.00468; ESP Exome Variant Server 0.00469; 1000 Genomes Project 0.00479; ExAC 0.00538; gnomAD exomes 0.00542 and 0.00626.
gnomAD v4.1: 7,745 of 1,285,662 alleles (0.6%); highest among the groups gnomAD compares: South Asian, 1.6%; 48 homozygotes.

Submissions (2):

Illumina Laboratory Services, Illumina
Classification: Benign for Rotor syndrome. Last evaluated: 2018-01-12. Review status: criteria provided, single submitter. Criteria: ICSL Variant Classification Criteria 13 December 2019. Collection method: clinical testing. Allele origin: germline.
Comment: This variant was observed in the ICSL laboratory as part of a predisposition screen in an ostensibly healthy population. It had not been previously curated by ICSL or reported in the Human Gene Mutation Database (HGMD: prior to June 1st, 2018), and was therefore a candidate for classification through an automated scoring system. Utilizing variant allele frequency, disease prevalence and penetrance estimates, and inheritance mode, an automated score was calculated to assess if this variant is too frequent to cause the disease. Based on the score and internal cut-off values, a variant classified as benign is not then subjected to further curation. The score for this variant resulted in a classification of benign for this disease.

Breakthrough Genomics
Classification: Benign. Review status: criteria provided, single submitter. Criteria: ACMG Guidelines, 2015. Collection method: not provided. Allele origin: germline. Inheritance: Autosomal recessive inheritance. Affected: yes.